The following is an entry in ClinVar:

ClinVar aggregate classification (germline): Uncertain significance (1 of 4 stars; one submission).

Conditions:
Mosaic variegated aneuploidy syndrome 1 (MVA1). Also called: Warburton-Anyane-Yeboa syndrome. Identifiers: Orphanet 1052, MedGen C1850343, MONDO:0009759, OMIM 257300.

Submission:

Labcorp Genetics (formerly Invitae), Labcorp
Classification: Uncertain significance for Mosaic variegated aneuploidy syndrome 1. Last evaluated: 2020-05-13. Review status: criteria provided, single submitter. Criteria: Invitae Variant Classification Sherloc (09022015). Collection method: clinical testing. Allele origin: germline.
Comment: This sequence change replaces methionine with lysine at codon 98 of the BUB1B protein (p.Met98Lys). The methionine residue is weakly conserved and there is a moderate physicochemical difference between methionine and lysine. Algorithms developed to predict the effect of missense changes on protein structure and function (SIFT, PolyPhen-2, Align-GVGD) all suggest that this variant is likely to be disruptive, but these predictions have not been confirmed by published functional studies and their clinical significance is uncertain. In summary, the available evidence is currently insufficient to determine the role of this variant in disease. Therefore, it has been classified as a Variant of Uncertain Significance. This variant has not been reported in the literature in individuals with BUB1B-related conditions. This variant is not present in population databases (ExAC no frequency).

NM_001211.6(BUB1B):c.293T>A (p.Met98Lys)

Gene: BUB1B (BUB1 mitotic checkpoint serine/threonine kinase B; plus strand). Cytogenetic location: 15q15.1.
Variant type: single nucleotide variant.
Coding change: c.293T>A on transcript NM_001211.6 (MANE Select); coding-DNA position 293, T replaced by A.
Protein change: p.Met98Lys; replaces methionine 98 with lysine.
Molecular consequence: missense variant.
Genome position (GRCh38, 1-based): chr15:40,170,590, T>A. VCF-style: chr15-40170590-T-A. GRCh37 (hg19) VCF-style: chr15-40462791-T-A.
Other names: short protein forms M98K.
Identifiers: ClinVar variation 1022368 (VCV001022368.10), dbSNP rs1446063325, ClinGen allele CA391679080.